The following is an entry in ClinVar:

NM_002878.4(RAD51D):c.748C>G (p.His250Asp)

Genes: RAD51D (RAD51 paralog D; minus strand), RAD51L3-RFFL (RAD51L3-RFFL readthrough; minus strand). Cytogenetic location: 17q12.
Variant type: single nucleotide variant.
Coding change: c.748C>G on transcript NM_002878.4 (MANE Select); coding-DNA position 748, C replaced by G.
Protein change: p.His250Asp; replaces histidine 250 with aspartic acid.
Molecular consequence: missense variant. On other transcripts: non-coding transcript variant (3).
Genome position (GRCh38, 1-based): chr17:35,101,356, G>C on the plus strand (C>G on the coding strand, the complement: RAD51D is on the minus strand). VCF-style: chr17-35101356-G-C. GRCh37 (hg19) VCF-style: chr17-33428375-G-C.
Other names: c.808C>G, p.His270Asp (NM_001142571.2); c.412C>G, p.His138Asp (NM_133629.3); short protein forms H270D, H138D, H250D.
Identifiers: ClinVar variation 1759141 (VCV001759141.9), dbSNP rs1400104355, ClinGen allele CA399086974.

ClinVar aggregate classification (germline): Uncertain significance. Review status: criteria provided, multiple submitters, no conflicts (2 of 4 stars). 2 submissions from 2 submitters: Uncertain significance (2). Last evaluated 2023-02-23.
ClinVar aggregate classification (oncogenicity): Uncertain significance (1 of 4 stars; one submission).

Conditions:
Hereditary cancer-predisposing syndrome. Also called: Neoplastic Syndromes, Hereditary; Tumor predisposition; Hereditary Cancer Syndrome; Hereditary neoplastic syndrome. Identifiers: Orphanet 140162, MedGen C0027672, MeSH D009386, MONDO:0015356.
Breast-ovarian cancer, familial, susceptibility to, 4. Identifiers: Orphanet 145, MedGen C3280345, MONDO:0013669, OMIM 614291.
Neoplasm. Also called: tumor; Neoplasms; Neoplasm (disease). Identifiers: MedGen C0027651, MeSH D009369, MONDO:0005070, HP:0002664.

Submissions (3):

Center for Genomic Medicine, Rigshospitalet, Copenhagen University Hospital
Classification: Uncertain significance for Neoplasm. Last evaluated: 2025-03-04. Review status: criteria provided, single submitter. Criteria: ClinGen/CGC/VICC Guidelines for Oncogenicity, 2022. Collection method: clinical testing. Allele origin: somatic. Affected: yes.

Labcorp Genetics (formerly Invitae), Labcorp
Classification: Uncertain significance for Breast-ovarian cancer, familial, susceptibility to, 4. Last evaluated: 2023-02-23. Review status: criteria provided, single submitter. Criteria: Invitae Variant Classification Sherloc (09022015). Collection method: clinical testing. Allele origin: germline.
Comment: This sequence change replaces histidine, which is basic and polar, with aspartic acid, which is acidic and polar, at codon 250 of the RAD51D protein (p.His250Asp). In summary, the available evidence is currently insufficient to determine the role of this variant in disease. Therefore, it has been classified as a Variant of Uncertain Significance. Advanced modeling of protein sequence and biophysical properties (such as structural, functional, and spatial information, amino acid conservation, physicochemical variation, residue mobility, and thermodynamic stability) performed at Invitae indicates that this missense variant is not expected to disrupt RAD51D protein function. ClinVar contains an entry for this variant (Variation ID: 1759141). This variant has not been reported in the literature in individuals affected with RAD51D-related conditions. This variant is not present in population databases (gnomAD no frequency).

Ambry Genetics
Classification: Uncertain significance for Hereditary cancer-predisposing syndrome. Last evaluated: 2022-07-29. Review status: criteria provided, single submitter. Criteria: Ambry Variant Classification Scheme 2023. Collection method: clinical testing. Allele origin: germline.
Comment: The p.H250D variant (also known as c.748C>G), located in coding exon 9 of the RAD51D gene, results from a C to G substitution at nucleotide position 748. The histidine at codon 250 is replaced by aspartic acid, an amino acid with similar properties. This amino acid position is conserved. In addition, this alteration is predicted to be deleterious by in silico analysis. Since supporting evidence is limited at this time, the clinical significance of this alteration remains unclear.